The following is an entry in ClinVar:

ClinVar aggregate classification (germline): Benign. Review status: criteria provided, multiple submitters, no conflicts (2 of 4 stars). 7 submissions from 7 submitters: Benign (7). Last evaluated 2026-02-04.

Allele frequency attached by ClinVar (database versions not stated): gnomAD exomes 0.03886; ExAC 0.05065; TOPMed 0.07574; 1000 Genomes Project 0.07188; gnomAD 0.07629 and 0.07268; 1000 Genomes Project 30x 0.07433.
gnomAD v4.1: 58,874 of 1,530,350 alleles (3.8%); highest among the groups gnomAD compares: African/African-American, 18%; 2,089 homozygotes.

Submissions (7):

Labcorp Genetics (formerly Invitae), Labcorp
Classification: Benign. Last evaluated: 2026-02-04. Review status: criteria provided, single submitter. Criteria: Invitae Variant Classification Sherloc (09022015). Collection method: clinical testing. Allele origin: germline.

Mayo Clinic Laboratories, Mayo Clinic
Classification: Benign. Last evaluated: 2020-10-01. Review status: criteria provided, single submitter. Criteria: ACMG Guidelines, 2015. Collection method: clinical testing. Allele origin: germline. Observed: 9 variant alleles.

GeneDx
Classification: Benign. Last evaluated: 2018-06-02. Review status: criteria provided, single submitter. Criteria: GeneDx Variant Classification (06012015). Collection method: clinical testing. Allele origin: germline. Affected: yes.
Comment: This variant is considered likely benign or benign based on one or more of the following criteria: it is a conservative change, it occurs at a poorly conserved position in the protein, it is predicted to be benign by multiple in silico algorithms, and/or has population frequency not consistent with disease.

Athena Diagnostics
Classification: Benign. Last evaluated: 2018-05-24. Review status: criteria provided, single submitter. Criteria: Athena Diagnostics Criteria. Collection method: clinical testing. Allele origin: germline.

Laboratory for Molecular Medicine, Mass General Brigham Personalized Medicine
Classification: Benign. Last evaluated: 2012-05-07. Review status: criteria provided, single submitter. Criteria: LMM Criteria. Collection method: clinical testing. Allele origin: germline. Observed: 34 variant alleles.
Comment: Lys790Glu in Exon 15 of PDZD7: This variant is not expected to have clinical sig nificance because it has been identified in 13.6% (16/118) of chromosomes from a population in the dbSNP database (rs1 11287837).

Breakthrough Genomics
Classification: Benign. Review status: criteria provided, single submitter. Criteria: ACMG Guidelines, 2015. Collection method: not provided. Allele origin: germline. Inheritance: Autosomal recessive inheritance. Affected: yes.

PreventionGenetics, part of Exact Sciences
Classification: Benign. Review status: criteria provided, single submitter. Criteria: ACMG Guidelines, 2015. Collection method: clinical testing. Allele origin: germline.

NM_001195263.2(PDZD7):c.2368A>G (p.Lys790Glu)

Gene: PDZD7 (PDZ domain containing 7; minus strand). Cytogenetic location: 10q24.31.
Variant type: single nucleotide variant.
Coding change: c.2368A>G on transcript NM_001195263.2 (MANE Select); coding-DNA position 2368, A replaced by G.
Protein change: p.Lys790Glu; replaces lysine 790 with glutamic acid.
Molecular consequence: missense variant.
Genome position (GRCh38, 1-based): chr10:101,010,521, T>C on the plus strand (A>G on the coding strand, the complement: PDZD7 is on the minus strand). VCF-style: chr10-101010521-T-C. GRCh37 (hg19) VCF-style: chr10-102770278-T-C.
Other names: short protein forms K790E.
Identifiers: ClinVar variation 44127 (VCV000044127.17), dbSNP rs111287837, ClinGen allele CA133631.